The following is an entry in ClinVar:

NM_030957.4(ADAMTS10):c.2335C>T (p.Arg779Ter)

Gene: ADAMTS10 (ADAM metallopeptidase with thrombospondin type 1 motif 10; minus strand). Cytogenetic location: 19p13.2.
Variant type: single nucleotide variant.
Coding change: c.2335C>T on transcript NM_030957.4 (MANE Select); coding-DNA position 2335, C replaced by T.
Protein change: p.Arg779Ter; replaces arginine 779 with a stop codon.
Molecular consequence: nonsense.
Genome position (GRCh38, 1-based): chr19:8,586,626, G>A on the plus strand (C>T on the coding strand, the complement: ADAMTS10 is on the minus strand). VCF-style: chr19-8586626-G-A. GRCh37 (hg19) VCF-style: chr19-8651510-G-A.
Other names: c.796C>T, p.Arg266Ter (NM_001282352.2); short protein forms R779*, R266*.
Identifiers: ClinVar variation 5006049 (VCV005006049.2).
Genomic context (GRCh38, chr19:8,586,626, plus strand): 5'-TGAGAGATGCATTAATCGGTCCCAGGGCTTCGAGGCTCTGGACCTGGTCTGGCCCCTGTC[G>A]CAGTTGAAAGGTGGTCCCAGCTAGAGGCAGACGGTGGGGCTGGGGGGTCCCAGGCAGCCC-3'

ClinVar aggregate classification (germline): Likely pathogenic (1 of 4 stars; one submission).

Conditions:
Weill-Marchesani syndrome 1 (WMS1). Also called: Weill-Marchesani Syndrome, Autosomal Recessive; ADAMTS10-Related Weill-Marchesani Syndrome; Weill-Marchesani syndrome 1, recessive. Identifiers: Orphanet 3449, MedGen C4552002, MONDO:0010194, OMIM 277600.

Submission:

Juno Genomics, Hangzhou Juno Genomics, Inc
Classification: Likely pathogenic for Weill-Marchesani syndrome 1. Review status: criteria provided, single submitter. Criteria: ACMG Guidelines, 2015. Collection method: clinical testing. Allele origin: germline.
Comment: Null variant in a gene where loss of function (LOF) is a known mechanism of disease.;Absent from controls (or at extremely low frequency if recessive) in Genome Aggregation Database.